The following is an entry in ClinVar:

ClinVar aggregate classification (germline): Benign/Likely benign. Review status: criteria provided, multiple submitters, no conflicts (2 of 4 stars). 4 submissions from 4 submitters: Benign (2); Likely benign (2). Last evaluated 2026-01-20.

Conditions:
Fraser syndrome 1 (FRASRS1). Also called: CRYPTOPHTHALMOS WITH OTHER MALFORMATIONS. Identifiers: Orphanet 2052, MedGen C4551480, MONDO:0054737, OMIM 219000.

Allele frequency attached by ClinVar (database versions not stated): gnomAD exomes 0.00018 and 0.00047; ExAC 0.00059; 1000 Genomes Project 30x 0.00141; 1000 Genomes Project 0.00160; ESP Exome Variant Server 0.00195; gnomAD 0.00220 and 0.00240; TOPMed 0.00255.
gnomAD v4.1: 598 of 1,613,880 alleles (0.037%); highest among the groups gnomAD compares: African/African-American, 0.75%; 2 homozygotes.

Submissions (4):

Labcorp Genetics (formerly Invitae), Labcorp
Classification: Benign. Last evaluated: 2026-01-20. Review status: criteria provided, single submitter. Criteria: Invitae Variant Classification Sherloc (09022015). Collection method: clinical testing. Allele origin: germline.

Blueprint Genetics
Classification: Likely benign. Last evaluated: 2024-10-16. Review status: criteria provided, single submitter. Criteria: ACMG Guidelines, 2015. Collection method: clinical testing. Allele origin: germline.

Illumina Laboratory Services, Illumina
Classification: Likely benign for Fraser syndrome 1. Last evaluated: 2018-01-12. Review status: criteria provided, single submitter. Criteria: ICSL Variant Classification Criteria 13 December 2019. Collection method: clinical testing. Allele origin: germline.
Comment: This variant was observed in the ICSL laboratory as part of a predisposition screen in an ostensibly healthy population. It had not been previously curated by ICSL or reported in the Human Gene Mutation Database (HGMD: prior to June 1st, 2018), and was therefore a candidate for classification through an automated scoring system. Utilizing variant allele frequency, disease prevalence and penetrance estimates, and inheritance mode, an automated score was calculated to assess if this variant is too frequent to cause the disease. Based on the score and internal cut-off values, a variant classified as likely benign is not then subjected to further curation. The score for this variant resulted in a classification of likely benign for this disease.

Eurofins Ntd Llc (ga)
Classification: Benign. Last evaluated: 2015-06-25. Review status: criteria provided, single submitter. Criteria: EGL Classification Definitions 2015. Collection method: clinical testing. Allele origin: germline. Observed: 1 variant allele, 1 heterozygote.

NM_025074.7(FRAS1):c.11718T>C (p.Ile3906=)

Gene: FRAS1 (Fraser extracellular matrix complex subunit 1; plus strand). Cytogenetic location: 4q21.21.
Variant type: single nucleotide variant.
Coding change: c.11718T>C on transcript NM_025074.7 (MANE Select); coding-DNA position 11718, T replaced by C.
Protein change: p.Ile3906=; no amino-acid change (isoleucine 3906 retained).
Molecular consequence: synonymous variant.
Genome position (GRCh38, 1-based): chr4:78,540,803, T>C. VCF-style: chr4-78540803-T-C. GRCh37 (hg19) VCF-style: chr4-79461957-T-C.
Identifiers: ClinVar variation 281465 (VCV000281465.19), dbSNP rs142389362, ClinGen allele CA2979287.